The following is an entry in ClinVar:

NM_020376.4(PNPLA2):c.1258C>T (p.Pro420Ser)

Gene: PNPLA2 (patatin like domain 2, triacylglycerol lipase; plus strand). Cytogenetic location: 11p15.5.
Variant type: single nucleotide variant.
Coding change: c.1258C>T on transcript NM_020376.4 (MANE Select); coding-DNA position 1258, C replaced by T.
Protein change: p.Pro420Ser; replaces proline 420 with serine.
Molecular consequence: missense variant.
Genome position (GRCh38, 1-based): chr11:824,605, C>T. VCF-style: chr11-824605-C-T. GRCh37 (hg19) VCF-style: chr11-824605-C-T.
Other names: short protein forms P420S.
Identifiers: ClinVar variation 2611290 (VCV002611290.3), dbSNP rs1186629172, ClinGen allele CA378984629.

ClinVar aggregate classification (germline): Uncertain significance. Review status: criteria provided, multiple submitters, no conflicts (2 of 4 stars). 2 submissions from 2 submitters: Uncertain significance (2). Last evaluated 2026-05-05.

Conditions:
Inborn genetic diseases. Identifiers: MedGen C0950123, MeSH D030342.

Allele frequency attached by ClinVar (database versions not stated): TOPMed below 0.00001; gnomAD exomes 0.00001.
gnomAD v4.1: 12 of 1,590,814 alleles (0.00075%); highest among the groups gnomAD compares: Non-Finnish European, 0.00085%; no homozygotes.

Submissions (2):

Women's Health and Genetics/Laboratory Corporation of America, LabCorp
Classification: Uncertain significance. Last evaluated: 2026-05-05. Review status: criteria provided, single submitter. Criteria: LabCorp Variant Classification Summary - May 2015. Collection method: clinical testing. Allele origin: germline.
Comment: Variant summary: PNPLA2 c.1258C>T (p.Pro420Ser) results in a non-conservative amino acid change in the encoded protein sequence. Algorithms developed to predict the effect of missense changes on protein structure and function are either unavailable or do not agree on the potential impact of this missense change. The variant allele was found at a frequency of 4.9e-06 in 205330 control chromosomes. The available data on variant occurrences in the general population are insufficient to allow any conclusion about variant significance. To our knowledge, no occurrence of c.1258C>T in individuals affected with PNPLA2-related conditions and no experimental evidence demonstrating its impact on protein function have been reported. ClinVar contains an entry for this variant (Variation ID: 2611290). Based on the evidence outlined above, the variant was classified as uncertain significance.

Ambry Genetics
Classification: Uncertain significance for Inborn genetic diseases. Last evaluated: 2023-07-12. Review status: criteria provided, single submitter. Criteria: Ambry Variant Classification Scheme 2023. Collection method: clinical testing. Allele origin: germline.